The following is an entry in ClinVar:

ClinVar aggregate classification (germline): Uncertain significance (1 of 4 stars; one submission).

Conditions:
Neuroblastoma, susceptibility to, 3. Also called: ALK-Related Neuroblastic Tumor Susceptibility. Identifiers: Orphanet 635, MedGen C2751681, MONDO:0013083, OMIM 613014.

Submission:

Labcorp Genetics (formerly Invitae), Labcorp
Classification: Uncertain significance for Neuroblastoma, susceptibility to, 3. Last evaluated: 2022-09-19. Review status: criteria provided, single submitter. Criteria: Invitae Variant Classification Sherloc (09022015). Collection method: clinical testing. Allele origin: germline.
Comment: This variant is not present in population databases (gnomAD no frequency). In summary, the available evidence is currently insufficient to determine the role of this variant in disease. Therefore, it has been classified as a Variant of Uncertain Significance. Algorithms developed to predict the effect of missense changes on protein structure and function (SIFT, PolyPhen-2, Align-GVGD) all suggest that this variant is likely to be disruptive. This variant has not been reported in the literature in individuals affected with ALK-related conditions. This sequence change replaces glutamic acid, which is acidic and polar, with glutamine, which is neutral and polar, at codon 717 of the ALK protein (p.Glu717Gln).

NM_004304.5(ALK):c.2149G>C (p.Glu717Gln)

Gene: ALK (ALK receptor tyrosine kinase; minus strand). Cytogenetic location: 2p23.2.
Variant type: single nucleotide variant.
Coding change: c.2149G>C on transcript NM_004304.5 (MANE Select); coding-DNA position 2149, G replaced by C.
Protein change: p.Glu717Gln; replaces glutamic acid 717 with glutamine.
Molecular consequence: missense variant.
Genome position (GRCh38, 1-based): chr2:29,251,160, C>G on the plus strand (G>C on the coding strand, the complement: ALK is on the minus strand). VCF-style: chr2-29251160-C-G. GRCh37 (hg19) VCF-style: chr2-29474026-C-G.
Other names: short protein forms E717Q.
Identifiers: ClinVar variation 1954003 (VCV001954003.5), dbSNP rs147858673, ClinGen allele CA346476867.